The following is an entry in ClinVar:

NM_002225.5(IVD):c.1152C>G (p.Tyr384Ter)

Gene: IVD (isovaleryl-CoA dehydrogenase; plus strand). Cytogenetic location: 15q15.1.
Variant type: single nucleotide variant.
Coding change: c.1152C>G on transcript NM_002225.5 (MANE Select); coding-DNA position 1152, C replaced by G.
Protein change: p.Tyr384Ter; replaces tyrosine 384 with a stop codon.
Molecular consequence: nonsense. On other transcripts: intron variant (3).
Genome position (GRCh38, 1-based): chr15:40,418,143, C>G. VCF-style: chr15-40418143-C-G. GRCh37 (hg19) VCF-style: chr15-40710342-C-G.
Other names: c.1062C>G, p.Tyr354Ter (NM_001159508.3); c.1104C>G, p.Tyr368Ter (NM_001354597.3); c.1239C>G, p.Tyr413Ter (NM_001354599.3); c.1225+1781C>G (NM_001354600.3); c.1138+1781C>G (NM_001354598.3, NM_001354601.3); short protein forms Y413*, Y354*, Y368*, Y384*.
Identifiers: ClinVar variation 5004720 (VCV005004720.1).

ClinVar aggregate classification (germline): Pathogenic (1 of 4 stars; one submission).

Conditions:
Isovaleryl-CoA dehydrogenase deficiency (IVA). Also called: Isovaleric acidemia; ISOVALERIC ACID CoA DEHYDROGENASE DEFICIENCY; Classic Isovaleric Acidemia; IVD DEFICIENCY. Identifiers: Orphanet 33, MedGen C0268575, MONDO:0009475, OMIM 243500.

Submission:

Myriad Genetics, Inc.
Classification: Pathogenic for Isovaleryl-CoA dehydrogenase deficiency. Last evaluated: 2026-06-15. Review status: criteria provided, single submitter. Criteria: Myriad Autosomal Dominant, Autosomal Recessive and X-Linked Classification Criteria (2023). Collection method: clinical testing. Allele origin: unknown.
Comment: NM_002225.3(IVD):c.1161C>G(Y387*) is a nonsense variant classified as pathogenic in the context of isovaleric acidemia. Y387* has not been observed in cases with relevant disease. Relevant functional assessments of this variant are not available in the literature. Y387* has not been observed in referenced population frequency databases. In summary, NM_002225.3(IVD):c.1161C>G(Y387*) is a nonsense variant in a gene where loss of function is a known mechanism of disease and is predicted to disrupt protein function. Please note: this variant was assessed in the context of healthy population screening.